The following is an entry in ClinVar:

ClinVar aggregate classification (germline): Uncertain significance (1 of 4 stars; one submission).

Submission:

CeGaT Center for Human Genetics Tuebingen
Classification: Uncertain significance. Last evaluated: 2023-06-01. Review status: criteria provided, single submitter. Criteria: CeGaT Center For Human Genetics Tuebingen Variant Classification Criteria Version 2. Collection method: clinical testing. Allele origin: germline. Affected: yes. Observed: 1 variant allele.
Comment: CIC: PM2, BP4

NM_001386298.1(CIC):c.3952G>C (p.Ala1318Pro)

Gene: CIC (capicua transcriptional repressor; plus strand). Cytogenetic location: 19q13.2.
Variant type: single nucleotide variant.
Coding change: c.3952G>C on transcript NM_001386298.1 (MANE Select); coding-DNA position 3952, G replaced by C.
Protein change: p.Ala1318Pro; replaces alanine 1318 with proline.
Molecular consequence: missense variant.
Genome position (GRCh38, 1-based): chr19:42,289,271, G>C. VCF-style: chr19-42289271-G-C. GRCh37 (hg19) VCF-style: chr19-42793423-G-C.
Other names: c.3952G>C, p.Ala1318Pro (NM_001304815.2, NM_001379480.1, NM_001379482.1 and 1 more transcripts); c.1225G>C, p.Ala409Pro (NM_001379484.1, NM_001379485.1, NM_015125.5); short protein forms A1318P, A409P.
Identifiers: ClinVar variation 2649985 (VCV002649985.24), dbSNP rs2037896041, ClinGen allele CA406102757.